The following is an entry in ClinVar:

ClinVar aggregate classification (germline): Uncertain significance (1 of 4 stars; one submission).

Submission:

Dasa
Classification: Uncertain significance. Last evaluated: 2025-12-03. Review status: criteria provided, single submitter. Criteria: DASA Assertion Criteria. Collection method: clinical testing. Allele origin: germline.
Comment: NM_001379403.1(WDR26):c.2222G>A (p.Trp741*) is a nonsense variant in WDR26 predicted to introduce a premature termination codon and is predicted to result in an absent or altered protein product. This variant is rare in population databases. The currently available literature and clinical evidence are not sufficient to establish a definitive association between this variant and the reported condition. Therefore, this variant is classified as a variant of uncertain significance.

NM_001379403.1(WDR26):c.2222G>A (p.Trp741Ter)

Gene: WDR26 (WD repeat domain 26; minus strand). Cytogenetic location: 1q42.11.
Variant type: single nucleotide variant.
Coding change: c.2222G>A on transcript NM_001379403.1 (MANE Select); coding-DNA position 2222, G replaced by A.
Protein change: p.Trp741Ter; replaces tryptophan 741 with a stop codon.
Molecular consequence: nonsense.
Genome position (GRCh38, 1-based): chr1:224,393,866, C>T on the plus strand (G>A on the coding strand, the complement: WDR26 is on the minus strand). VCF-style: chr1-224393866-C-T. GRCh37 (hg19) VCF-style: chr1-224581568-C-T.
Other names: c.1874G>A, p.Trp625Ter (NM_001115113.3); c.1922G>A, p.Trp641Ter (NM_025160.7); short protein forms W625*, W641*, W741*.
Identifiers: ClinVar variation 5020774 (VCV005020774.1).